The following is an entry in ClinVar:

ClinVar aggregate classification (germline): Uncertain significance (1 of 4 stars; one submission).

Submission:

GeneDx
Classification: Uncertain significance. Last evaluated: 2019-07-09. Review status: criteria provided, single submitter. Criteria: GeneDx Variant Classification Process June 2021. Collection method: clinical testing. Allele origin: germline. Affected: yes.
Comment: In-frame deletion of 6 amino acids in the conserved alpha-helical rod domain of Keratin-1, in the 1B segment; Only very few pathogenic in-frame deletions in KRT1 have been reported in association with epidermolytic ichthyosis or PPK, according to the Human Gene Mutation Database (Stenson et al. 2014), and none has been observed in the 1B domain; In silico analysis, which includes protein predictors and evolutionary conservation, supports a deleterious effect; Not observed in large population cohorts (Lek et al., 2016); Has not been previously published as pathogenic or benign to our knowledge

NM_006121.4(KRT1):c.723_740del (p.Arg241_Lys246del)

Gene: KRT1 (keratin 1; minus strand). Cytogenetic location: 12q13.13.
Variant type: Deletion.
Coding change: c.723_740del on transcript NM_006121.4 (MANE Select); coding-DNA positions 723 to 740, 18 bases deleted (AGTGGACCAACTGAAGAG).
Protein change: p.Arg241_Lys246del.
Molecular consequence: inframe deletion.
Genome position (GRCh38, 1-based): chr12:52,678,608-52,678,625, CTCTTCAGTTGGTCCACT deleted on the plus strand (AGTGGACCAACTGAAGAG on the coding strand, the reverse complement: KRT1 is on the minus strand); deleting any 18 consecutive bases within chr12:52,678,608-52,678,628 gives the same sequence; the c. name uses the placement nearest the transcript's 3' end. VCF-style (leftmost placement, unchanged base first): chr12-52678607-ACTCTTCAGTTGGTCCACT-A. GRCh37 (hg19) VCF-style: chr12-53072391-ACTCTTCAGTTGGTCCACT-A.
Identifiers: ClinVar variation 1306753 (VCV001306753.2), dbSNP rs2121007745, ClinGen allele CA2573053712.